The following is an entry in ClinVar:

NM_004336.5(BUB1):c.2783+6T>G

Gene: BUB1 (BUB1 mitotic checkpoint serine/threonine kinase; minus strand). Cytogenetic location: 2q13.
Variant type: single nucleotide variant.
Coding change: c.2783+6T>G on transcript NM_004336.5 (MANE Select); 6 bases into the intron after coding-DNA position 2783, T replaced by G.
Molecular consequence: intron variant.
Genome position (GRCh38, 1-based): chr2:110,641,301, A>C on the plus strand (T>G on the coding strand, the complement: BUB1 is on the minus strand). VCF-style: chr2-110641301-A-C. GRCh37 (hg19) VCF-style: chr2-111398878-A-C.
Other names: c.2723+6T>G (NM_001278616.2); c.2626-109T>G (NM_001278617.2).
Identifiers: ClinVar variation 3622671 (VCV003622671.2).

ClinVar aggregate classification (germline): Uncertain significance (1 of 4 stars; one submission).

gnomAD v4.1: 3 of 1,605,218 alleles (0.00019%); highest among the groups gnomAD compares: Admixed American, 0.0051%; no homozygotes.

Submission:

Labcorp Genetics (formerly Invitae), Labcorp
Classification: Uncertain significance. Last evaluated: 2024-06-11. Review status: criteria provided, single submitter. Criteria: Invitae Variant Classification Sherloc (09022015). Collection method: clinical testing. Allele origin: germline.
Comment: This sequence change falls in intron 22 of the BUB1 gene. It does not directly change the encoded amino acid sequence of the BUB1 protein. It affects a nucleotide within the consensus splice site. This variant is present in population databases (rs201822874, gnomAD 0.009%). This variant has not been reported in the literature in individuals affected with BUB1-related conditions. Variants that disrupt the consensus splice site are a relatively common cause of aberrant splicing (PMID: 17576681, 9536098). Algorithms developed to predict the effect of sequence changes on RNA splicing suggest that this variant may disrupt the consensus splice site. In summary, the available evidence is currently insufficient to determine the role of this variant in disease. Therefore, it has been classified as a Variant of Uncertain Significance.

Literature cited by the submitters: PubMed 17576681; PubMed 9536098.